The following is an entry in ClinVar:

ClinVar aggregate classification (germline): Uncertain significance (1 of 4 stars; one submission).

Allele frequency attached by ClinVar (database versions not stated): gnomAD exomes below 0.00001.

Submission:

GeneDx
Classification: Uncertain significance. Last evaluated: 2016-10-20. Review status: criteria provided, single submitter. Criteria: GeneDx Variant Classification (06012015). Collection method: clinical testing. Allele origin: germline. Affected: yes.
Comment: A variant of uncertain significance has been identified in the BSCL2 gene. The V193E variant has not been published as a pathogenic variant, nor has it been reported as a benign variant to our knowledge. It was not observed in approximately 6,500 individuals of European and African American ancestry in the NHLBI Exome Sequencing Project, indicating it is not a common benign variant in these populations. The V193E variant is a non-conservative amino acid substitution, which is likely to impact secondary protein structure as these residues differ in polarity, charge, size and/or other properties. However, this substitution occurs at a position that is not conserved and in silico analysis is inconsistent in its predictions as to whether or not the variant is damaging to the protein structure/function. Therefore, based on the currently available information, it is unclear whether this variant is a pathogenic variant or a rare benign variant.

NM_001122955.4(BSCL2):c.770T>A (p.Val257Glu)

Genes: HNRNPUL2-BSCL2 (HNRNPUL2-BSCL2 readthrough (NMD candidate); minus strand), BSCL2 (BSCL2 lipid droplet biogenesis associated, seipin; minus strand). Cytogenetic location: 11q12.3.
Variant type: single nucleotide variant.
Coding change: c.770T>A on transcript NM_001122955.4 (MANE Select); coding-DNA position 770, T replaced by A.
Protein change: p.Val257Glu; replaces valine 257 with glutamic acid.
Molecular consequence: missense variant. On other transcripts: non-coding transcript variant (1).
Genome position (GRCh38, 1-based): chr11:62,692,469, A>T on the plus strand (T>A on the coding strand, the complement: BSCL2 is on the minus strand). VCF-style: chr11-62692469-A-T. GRCh37 (hg19) VCF-style: chr11-62459941-A-T.
Other names: c.578T>A, p.Val193Glu (NM_001130702.2, NM_032667.6); c.770T>A, p.Val257Glu (NM_001386027.1, NM_001386028.1); short protein forms V193E, V257E.
Identifiers: ClinVar variation 390155 (VCV000390155.2), dbSNP rs1057523660, ClinGen allele CA16606265.